The following is an entry in ClinVar:

NM_000081.4(LYST):c.388T>A (p.Ser130Thr)

Gene: LYST (lysosomal trafficking regulator; minus strand). Cytogenetic location: 1q42.3.
Variant type: single nucleotide variant.
Coding change: c.388T>A on transcript NM_000081.4 (MANE Select); coding-DNA position 388, T replaced by A.
Protein change: p.Ser130Thr; replaces serine 130 with threonine.
Molecular consequence: missense variant.
Genome position (GRCh38, 1-based): chr1:235,810,430, A>T on the plus strand (T>A on the coding strand, the complement: LYST is on the minus strand). VCF-style: chr1-235810430-A-T. GRCh37 (hg19) VCF-style: chr1-235973730-A-T.
Other names: c.388T>A, p.Ser130Thr (NM_001301365.1); short protein forms S130T.
Identifiers: ClinVar variation 1462619 (VCV001462619.5), dbSNP rs773369935, ClinGen allele CA1467639.

ClinVar aggregate classification (germline): Uncertain significance (1 of 4 stars; one submission).

Conditions:
Chédiak-Higashi syndrome (CHS). Also called: Chediak-Higashi Syndrome. Identifiers: Orphanet 167, MedGen C0007965, MONDO:0008963, OMIM 214500.

Allele frequency attached by ClinVar (database versions not stated): gnomAD exomes below 0.00001; ExAC 0.00001; TOPMed 0.00002; gnomAD 0.00003.
gnomAD v4.1: 10 of 1,611,440 alleles (0.00062%); highest among the groups gnomAD compares: African/African-American, 0.013%; no homozygotes.

Submission:

Labcorp Genetics (formerly Invitae), Labcorp
Classification: Uncertain significance for Chédiak-Higashi syndrome. Last evaluated: 2022-02-25. Review status: criteria provided, single submitter. Criteria: Invitae Variant Classification Sherloc (09022015). Collection method: clinical testing. Allele origin: germline.
Comment: This sequence change replaces serine, which is neutral and polar, with threonine, which is neutral and polar, at codon 130 of the LYST protein (p.Ser130Thr). This variant is present in population databases (rs773369935, gnomAD 0.007%). This variant has not been reported in the literature in individuals affected with LYST-related conditions. Algorithms developed to predict the effect of missense changes on protein structure and function output the following: SIFT: "Tolerated"; PolyPhen-2: "Benign"; Align-GVGD: "Class C0". The threonine amino acid residue is found in multiple mammalian species, which suggests that this missense change does not adversely affect protein function. In summary, the available evidence is currently insufficient to determine the role of this variant in disease. Therefore, it has been classified as a Variant of Uncertain Significance.